The following is an entry in ClinVar:

NM_001042492.3(NF1):c.3769C>A (p.Leu1257Ile)

Gene: NF1 (neurofibromin 1; plus strand). Cytogenetic location: 17q11.2.
Variant type: single nucleotide variant.
Coding change: c.3769C>A on transcript NM_001042492.3 (MANE Select); coding-DNA position 3769, C replaced by A.
Protein change: p.Leu1257Ile; replaces leucine 1257 with isoleucine.
Molecular consequence: missense variant.
Genome position (GRCh38, 1-based): chr17:31,235,671, C>A. VCF-style: chr17-31235671-C-A. GRCh37 (hg19) VCF-style: chr17-29562689-C-A.
Other names: c.3769C>A, p.Leu1257Ile (NM_000267.4); short protein forms L1257I.
Identifiers: ClinVar variation 1396132 (VCV001396132.6), dbSNP rs2151437853, ClinGen allele CA398992530.

ClinVar aggregate classification (germline): Uncertain significance (1 of 4 stars; one submission).

Conditions:
Neurofibromatosis, type 1 (NF1). Also called: VON RECKLINGHAUSEN DISEASE; Neurofibromatosis, type I; NEUROFIBROMATOSIS, TYPE I, SOMATIC; Peripheral type neurofibromatosis. Identifiers: Orphanet 636, MedGen C0027831, MONDO:0018975, OMIM 162200. Disease mechanism: loss of function.

Submission:

Labcorp Genetics (formerly Invitae), Labcorp
Classification: Uncertain significance for Neurofibromatosis, type 1. Last evaluated: 2021-12-02. Review status: criteria provided, single submitter. Criteria: Invitae Variant Classification Sherloc (09022015). Collection method: clinical testing. Allele origin: germline.
Comment: This variant has not been reported in the literature in individuals affected with NF1-related conditions. In summary, the available evidence is currently insufficient to determine the role of this variant in disease. Therefore, it has been classified as a Variant of Uncertain Significance. Algorithms developed to predict the effect of missense changes on protein structure and function are either unavailable or do not agree on the potential impact of this missense change (SIFT: "Tolerated"; PolyPhen-2: "Possibly Damaging"; Align-GVGD: "Class C0"). This variant is not present in population databases (gnomAD no frequency). This sequence change replaces leucine, which is neutral and non-polar, with isoleucine, which is neutral and non-polar, at codon 1257 of the NF1 protein (p.Leu1257Ile).